The following is an entry in ClinVar:

ClinVar aggregate classification (germline): Pathogenic/Likely pathogenic. Review status: criteria provided, multiple submitters, no conflicts (2 of 4 stars). 4 submissions from 4 submitters: Pathogenic (3); Likely pathogenic (1). Last evaluated 2025-10-23.

Conditions:
Cataract 18 (CATC2). Also called: CATARACT 18, AUTOSOMAL RECESSIVE. Identifiers: Orphanet 91492, Orphanet 98991, Orphanet 98992, Orphanet 98995, MedGen C1864908, MONDO:0012395, OMIM 610019.
Abnormality of the eye. Identifiers: MedGen C4316870, HP:0000478.
FYCO1-related disorders.

Allele frequency attached by ClinVar (database versions not stated): TOPMed 0.00001; ExAC 0.00002; gnomAD exomes 0.00002; gnomAD 0.00004 and 0.00005.
gnomAD v4.1: 41 of 1,613,914 alleles (0.0025%); highest among the groups gnomAD compares: Middle Eastern, 0.033%; no homozygotes.

Submissions (4):

3billion
Classification: Pathogenic for Cataract 18. Last evaluated: 2025-10-23. Review status: criteria provided, single submitter. Criteria: ACMG Guidelines, 2015. Collection method: clinical testing. Allele origin: germline. Affected: yes.
Comment: The variant is observed at an extremely low frequency in the gnomAD v4.1.0 dataset (total allele frequency: 0.003%). Predicted Consequence/Location: Stop-gained (nonsense): predicted to result in a loss or disruption of normal protein function through nonsense-mediated decay (NMD) or protein truncation. Multiple pathogenic variants are reported downstream of the variant. The variant has been reported at least twice as pathogenic without evidence for the classification (ClinVar ID: VCV001180699 /PMID: 35754085). Therefore, this variant is classified as Pathogenic according to the recommendation of ACMG/AMP guideline.

Labcorp Genetics (formerly Invitae), Labcorp
Classification: Pathogenic for Cataract 18. Last evaluated: 2024-03-02. Review status: criteria provided, single submitter. Criteria: Invitae Variant Classification Sherloc (09022015). Collection method: clinical testing. Allele origin: germline.
Comment: This sequence change creates a premature translational stop signal (p.Cys1110*) in the FYCO1 gene. It is expected to result in an absent or disrupted protein product. Loss-of-function variants in FYCO1 are known to be pathogenic (PMID: 21636066). This variant is present in population databases (rs764164884, gnomAD 0.006%). This premature translational stop signal has been observed in individual(s) with autosomal recessive congenital cataracts (PMID: 35754085). ClinVar contains an entry for this variant (Variation ID: 1180699). For these reasons, this variant has been classified as Pathogenic.

Blueprint Genetics
Classification: Pathogenic for FYCO1-related disorders. Last evaluated: 2022-08-11. Review status: criteria provided, single submitter. Criteria: ACMG Guidelines, 2015. Collection method: clinical testing. Allele origin: germline. Affected: yes. Observed: 2 variant alleles.

Kariminejad - Najmabadi Pathology & Genetics Center
Classification: Likely pathogenic for Abnormality of the eye. Last evaluated: 2021-07-10. Review status: criteria provided, single submitter. Criteria: ACMG Guidelines, 2015. Collection method: clinical testing. Allele origin: germline. Affected: yes.

Literature cited by the submitters: PubMed 35754085 (cited by 3billion and Labcorp Genetics (formerly Invitae), Labcorp); PubMed 21636066 (cited by Labcorp Genetics (formerly Invitae), Labcorp).

NM_024513.4(FYCO1):c.3330C>A (p.Cys1110Ter)

Gene: FYCO1 (FYVE and coiled-coil domain autophagy adaptor 1; minus strand). Cytogenetic location: 3p21.31.
Variant type: single nucleotide variant.
Coding change: c.3330C>A on transcript NM_024513.4 (MANE Select); coding-DNA position 3330, C replaced by A.
Protein change: p.Cys1110Ter; replaces cysteine 1110 with a stop codon.
Molecular consequence: nonsense. On other transcripts: non-coding transcript variant (1).
Genome position (GRCh38, 1-based): chr3:45,962,332, G>T on the plus strand (C>A on the coding strand, the complement: FYCO1 is on the minus strand). VCF-style: chr3-45962332-G-T. GRCh37 (hg19) VCF-style: chr3-46003824-G-T.
Other names: c.3330C>A, p.Cys1110Ter (NM_001386421.1, NM_001386422.1, NM_001386423.1 and 4 more transcripts); c.3210C>A, p.Cys1070Ter (NM_001386426.1); c.3186C>A, p.Cys1062Ter (NM_001386427.1); c.2730C>A, p.Cys910Ter (NM_001386430.1); short protein forms C1062*, C1070*, C1110*, C910*.
Identifiers: ClinVar variation 1180699 (VCV001180699.5), dbSNP rs764164884, ClinGen allele CA2352812.
Genomic context (GRCh38, chr3:45,962,332, plus strand): 5'-GAGGTCATCCAGGTCAGCAAGCATCTTCTGGTCATTCCTCTCACGATTTGTCACCTCCTG[G>T]CAGAGTTTGTTGTAATACTCTTGGATTTTTGTTGTGGCTTTTTCGAGTTCCTTCTGGGTC-3'